The following is an entry in ClinVar:

ClinVar aggregate classification (germline): Uncertain significance (1 of 4 stars; one submission).

Allele frequency attached by ClinVar (database versions not stated): TOPMed below 0.00001; gnomAD 0.00001.
gnomAD v4.1: 1 of 1,613,200 alleles (0.000062%); highest among the groups gnomAD compares: Non-Finnish European, 0.000085%; no homozygotes.

Submission:

Labcorp Genetics (formerly Invitae), Labcorp
Classification: Uncertain significance. Last evaluated: 2026-01-05. Review status: criteria provided, single submitter. Criteria: Invitae Variant Classification Sherloc (09022015). Collection method: clinical testing. Allele origin: germline.
Comment: This sequence change replaces methionine, which is neutral and non-polar, with threonine, which is neutral and polar, at codon 756 of the LONP1 protein (p.Met756Thr). This variant is not present in population databases (gnomAD no frequency). This variant has not been reported in the literature in individuals affected with LONP1-related conditions. ClinVar contains an entry for this variant (Variation ID: 2993075). Invitae Evidence Modeling of protein sequence and biophysical properties (such as structural, functional, and spatial information, amino acid conservation, physicochemical variation, residue mobility, and thermodynamic stability) has been performed for this missense variant. However, the output from this modeling did not meet the statistical confidence thresholds required to predict the impact of this variant on LONP1 protein function. In summary, the available evidence is currently insufficient to determine the role of this variant in disease. Therefore, it has been classified as a Variant of Uncertain Significance.

NM_004793.4(LONP1):c.2267T>C (p.Met756Thr)

Gene: LONP1 (lon peptidase 1, mitochondrial; minus strand). Cytogenetic location: 19p13.3.
Variant type: single nucleotide variant.
Coding change: c.2267T>C on transcript NM_004793.4 (MANE Select); coding-DNA position 2267, T replaced by C.
Protein change: p.Met756Thr; replaces methionine 756 with threonine.
Molecular consequence: missense variant. On other transcripts: non-coding transcript variant (1).
Genome position (GRCh38, 1-based): chr19:5,694,440, A>G on the plus strand (T>C on the coding strand, the complement: LONP1 is on the minus strand). VCF-style: chr19-5694440-A-G. GRCh37 (hg19) VCF-style: chr19-5694451-A-G.
Other names: c.2075T>C, p.Met692Thr (NM_001276479.2); c.1679T>C, p.Met560Thr (NM_001276480.1); short protein forms M692T, M756T, M560T.
Identifiers: ClinVar variation 2993075 (VCV002993075.3), dbSNP rs1191982587, ClinGen allele CA403527237.
Genomic context (GRCh38, chr19:5,694,440, plus strand): 5'-CGCTCACCCATTGCGGTCCAGGCCAGCCCCATGACCACGCCGGGCGGTGTCACGTCATAC[A>G]TGCGCTCCACGGTGAACACGGGCTTCCCCACGAAGTCCTGCAGGTTCTCGGGCGTCACCT-3'
Protein context (NP_004784.2, residues 746-766): VGKPVFTVER[Met756Thr]YDVTPPGVVM